The following is an entry in ClinVar:

NM_001690.4(ATP6V1A):c.589G>C (p.Glu197Gln)

Gene: ATP6V1A (ATPase H+ transporting V1 subunit A; plus strand). Cytogenetic location: 3q13.31.
Variant type: single nucleotide variant.
Coding change: c.589G>C on transcript NM_001690.4 (MANE Select); coding-DNA position 589, G replaced by C.
Protein change: p.Glu197Gln; replaces glutamic acid 197 with glutamine.
Molecular consequence: missense variant.
Genome position (GRCh38, 1-based): chr3:113,786,256, G>C. VCF-style: chr3-113786256-G-C. GRCh37 (hg19) VCF-style: chr3-113505103-G-C.
Other names: short protein forms E197Q.
Identifiers: ClinVar variation 4777361 (VCV004777361.1).

ClinVar aggregate classification (germline): Uncertain significance (1 of 4 stars; one submission).

gnomAD v4.1: 4 of 1,607,982 alleles (0.00025%); highest among the groups gnomAD compares: Admixed American, 0.005%; no homozygotes.

Submission:

Labcorp Genetics (formerly Invitae), Labcorp
Classification: Uncertain significance. Last evaluated: 2025-10-10. Review status: criteria provided, single submitter. Criteria: Invitae Variant Classification Sherloc (09022015). Collection method: clinical testing. Allele origin: germline.
Comment: This sequence change replaces glutamic acid, which is acidic and polar, with glutamine, which is neutral and polar, at codon 197 of the ATP6V1A protein (p.Glu197Gln). This variant is present in population databases (no rsID available, gnomAD 0.009%). This variant has not been reported in the literature in individuals affected with ATP6V1A-related conditions. Invitae Evidence Modeling of protein sequence and biophysical properties (such as structural, functional, and spatial information, amino acid conservation, physicochemical variation, residue mobility, and thermodynamic stability) indicates that this missense variant is not expected to disrupt ATP6V1A protein function with a negative predictive value of 80%. In summary, the available evidence is currently insufficient to determine the role of this variant in disease. Therefore, it has been classified as a Variant of Uncertain Significance.